The following is an entry in ClinVar:

ClinVar aggregate classification (germline): Pathogenic (1 of 4 stars; one submission).

Submission:

GeneDx
Classification: Pathogenic. Last evaluated: 2025-05-24. Review status: criteria provided, single submitter. Criteria: GeneDx Variant Classification Process June 2021. Collection method: clinical testing. Allele origin: germline. Affected: yes.
Comment: Nonsense variant predicted to result in protein truncation or nonsense mediated decay in a gene for which loss of function is a known mechanism of disease; Not observed at significant frequency in large population cohorts (gnomAD); Has not been previously published as pathogenic or benign to our knowledge

NM_007118.4(TRIO):c.2119C>T (p.Gln707Ter)

Gene: TRIO (trio Rho guanine nucleotide exchange factor; plus strand). Cytogenetic location: 5p15.2.
Variant type: single nucleotide variant.
Coding change: c.2119C>T on transcript NM_007118.4 (MANE Select); coding-DNA position 2119, C replaced by T.
Protein change: p.Gln707Ter; replaces glutamine 707 with a stop codon.
Molecular consequence: nonsense. On other transcripts: non-coding transcript variant (1).
Genome position (GRCh38, 1-based): chr5:14,358,250, C>T. VCF-style: chr5-14358250-C-T. GRCh37 (hg19) VCF-style: chr5-14358359-C-T.
Other names: short protein forms Q707*.
Identifiers: ClinVar variation 1202305 (VCV001202305.4), dbSNP rs2152335941, ClinGen allele CA359204566.